The following is an entry in ClinVar:

NM_000388.4(CASR):c.860A>G (p.Asn287Ser)

Gene: CASR (calcium sensing receptor; plus strand). Cytogenetic location: 3q21.1.
Variant type: single nucleotide variant.
Coding change: c.860A>G on transcript NM_000388.4 (MANE Select); coding-DNA position 860, A replaced by G.
Protein change: p.Asn287Ser; replaces asparagine 287 with serine.
Molecular consequence: missense variant.
Genome position (GRCh38, 1-based): chr3:122,261,895, A>G. VCF-style: chr3-122261895-A-G. GRCh37 (hg19) VCF-style: chr3-121980742-A-G.
Other names: c.860A>G, p.Asn287Ser (NM_001178065.2); short protein forms N287S.
Identifiers: ClinVar variation 1015666 (VCV001015666.9), dbSNP rs2074629436, ClinGen allele CA354151506.

ClinVar aggregate classification (germline): Uncertain significance (1 of 4 stars; one submission).

Conditions:
Autosomal dominant hypocalcemia 1 (HYPOC1). Also called: HYPOCALCEMIA, FAMILIAL. Identifiers: MedGen C3715128, MONDO:0011013, OMIM 601198.
Familial hypocalciuric hypercalcemia (FHH). Also called: Familial benign hypercalcemia. Identifiers: Orphanet 405, MedGen C1809471, MONDO:0018458.

Allele frequency attached by ClinVar (database versions not stated): TOPMed below 0.00001.

Submission:

Labcorp Genetics (formerly Invitae), Labcorp
Classification: Uncertain significance for Familial hypocalciuric hypercalcemia; Autosomal dominant hypocalcemia 1. Last evaluated: 2022-03-08. Review status: criteria provided, single submitter. Criteria: Invitae Variant Classification Sherloc (09022015). Collection method: clinical testing. Allele origin: germline.
Comment: In summary, the available evidence is currently insufficient to determine the role of this variant in disease. Therefore, it has been classified as a Variant of Uncertain Significance. Algorithms developed to predict the effect of missense changes on protein structure and function (SIFT, PolyPhen-2, Align-GVGD) all suggest that this variant is likely to be disruptive. ClinVar contains an entry for this variant (Variation ID: 1015666). This variant has not been reported in the literature in individuals affected with CASR-related conditions. This variant is not present in population databases (gnomAD no frequency). This sequence change replaces asparagine, which is neutral and polar, with serine, which is neutral and polar, at codon 287 of the CASR protein (p.Asn287Ser).